The following is an entry in ClinVar:

NM_005908.4(MANBA):c.2015-1G>A

Gene: MANBA (mannosidase beta; minus strand). Cytogenetic location: 4q24.
Variant type: single nucleotide variant.
Coding change: c.2015-1G>A on transcript NM_005908.4 (MANE Select); the canonical splice acceptor site of the intron before coding-DNA position 2015, G replaced by A.
Molecular consequence: splice acceptor variant.
Genome position (GRCh38, 1-based): chr4:102,636,008, C>T on the plus strand (G>A on the coding strand, the complement: MANBA is on the minus strand). VCF-style: chr4-102636008-C-T. GRCh37 (hg19) VCF-style: chr4-103557165-C-T.
Identifiers: ClinVar variation 2790104 (VCV002790104.3), dbSNP rs2476721955, ClinGen allele CA357757420.

ClinVar aggregate classification (germline): Likely pathogenic (1 of 4 stars; one submission).

Conditions:
Beta-D-mannosidosis (MANSB). Also called: Beta-Mannosidosis; MANNOSIDOSIS, BETA A, LYSOSOMAL; BETA-MANNOSIDASE DEFICIENCY; LYSOSOMAL BETA-MANNOSIDASE DEFICIENCY. Identifiers: Orphanet 118, MedGen C4048196, MONDO:0009562, OMIM 248510.

Allele frequency attached by ClinVar (database versions not stated): gnomAD exomes below 0.00001.
gnomAD v4.1: 1 of 1,613,422 alleles (0.000062%); highest among the groups gnomAD compares: African/African-American, 0.0013%; no homozygotes.

Submission:

Labcorp Genetics (formerly Invitae), Labcorp
Classification: Likely pathogenic for Beta-D-mannosidosis. Last evaluated: 2023-06-11. Review status: criteria provided, single submitter. Criteria: Invitae Variant Classification Sherloc (09022015). Collection method: clinical testing. Allele origin: germline.
Comment: In summary, the currently available evidence indicates that the variant is pathogenic, but additional data are needed to prove that conclusively. Therefore, this variant has been classified as Likely Pathogenic. Algorithms developed to predict the effect of sequence changes on RNA splicing suggest that this variant may disrupt the consensus splice site. This variant has not been reported in the literature in individuals affected with MANBA-related conditions. This variant is not present in population databases (gnomAD no frequency). This sequence change affects an acceptor splice site in intron 14 of the MANBA gene. It is expected to disrupt RNA splicing. Variants that disrupt the donor or acceptor splice site typically lead to a loss of protein function (PMID: 16199547), and loss-of-function variants in MANBA are known to be pathogenic (PMID: 9384606, 12468273).

Literature cited by the submitters: PubMed 16199547; PubMed 9384606; PubMed 12468273.